The following is an entry in ClinVar:

NM_000059.4(BRCA2):c.2872A>T (p.Ser958Cys)

Gene: BRCA2 (BRCA2 DNA repair associated; plus strand). Cytogenetic location: 13q13.1.
Variant type: single nucleotide variant.
Coding change: c.2872A>T on transcript NM_000059.4 (MANE Select); coding-DNA position 2872, A replaced by T.
Protein change: p.Ser958Cys; replaces serine 958 with cysteine.
Molecular consequence: missense variant.
Genome position (GRCh38, 1-based): chr13:32,337,227, A>T. VCF-style: chr13-32337227-A-T. GRCh37 (hg19) VCF-style: chr13-32911364-A-T.
Other names: c.2872A>T, p.Ser958Cys (NM_001406719.1, NM_001406720.1); short protein forms S958C.
Identifiers: ClinVar variation 1797063 (VCV001797063.4), dbSNP rs80358537, ClinGen allele CA387774034.

ClinVar aggregate classification (germline): Conflicting classifications of pathogenicity. Review status: criteria provided, conflicting classifications (1 of 4 stars). 2 submissions from 2 submitters: Uncertain significance (1); Likely benign (1). Last evaluated 2023-03-23.

Conditions:
Hereditary cancer-predisposing syndrome. Also called: Tumor predisposition; Hereditary Cancer Syndrome; Neoplastic Syndromes, Hereditary; Hereditary neoplastic syndrome. Identifiers: Orphanet 140162, MedGen C0027672, MeSH D009386, MONDO:0015356.

Submissions (2):

University of Washington Department of Laboratory Medicine, University of Washington
Classification: Likely benign for Hereditary cancer-predisposing syndrome. Last evaluated: 2023-03-23. Review status: criteria provided, single submitter. Criteria: Dines et al. (Genet Med. 2020). Collection method: curation. Allele origin: germline.
Comment: Missense variant in a coldspot region where missense variants are very unlikely to be pathogenic (PMID:31911673).

BRCA2 exon 11 coldspot. Reclassification based on statistical prior probability.

Ambry Genetics
Classification: Uncertain significance for Hereditary cancer-predisposing syndrome. Last evaluated: 2021-12-11. Review status: criteria provided, single submitter. Criteria: Ambry Variant Classification Scheme 2023. Collection method: clinical testing. Allele origin: germline.
Comment: The p.S958C variant (also known as c.2872A>T), located in coding exon 10 of the BRCA2 gene, results from an A to T substitution at nucleotide position 2872. The serine at codon 958 is replaced by cysteine, an amino acid with dissimilar properties. This amino acid position is conserved. In addition, this alteration is predicted to be tolerated by in silico analysis. Since supporting evidence is limited at this time, the clinical significance of this alteration remains unclear.